The following is an entry in ClinVar:

NM_007294.4(BRCA1):c.500C>T (p.Thr167Ile)

Gene: BRCA1 (BRCA1 DNA repair associated; minus strand). Cytogenetic location: 17q21.31.
Variant type: single nucleotide variant.
Coding change: c.500C>T on transcript NM_007294.4 (MANE Select); coding-DNA position 500, C replaced by T.
Protein change: p.Thr167Ile; replaces threonine 167 with isoleucine.
Molecular consequence: missense variant. On other transcripts: non-coding transcript variant (1).
Genome position (GRCh38, 1-based): chr17:43,099,822, G>A on the plus strand (C>T on the coding strand, the complement: BRCA1 is on the minus strand). VCF-style: chr17-43099822-G-A. GRCh37 (hg19) VCF-style: chr17-41251839-G-A.
Other names: c.419C>T, p.Thr140Ile (NM_001407875.1, NM_001408413.1, NM_001408416.1 and 6 more transcripts); c.290C>T, p.Thr97Ile (NM_001407879.1, NM_001407881.1, NM_001407882.1 and 37 more transcripts); c.287C>T, p.Thr96Ile (NM_001407894.1, NM_001407895.1, NM_001407896.1 and 18 more transcripts); c.500C>T, p.Thr167Ile (NM_001407919.1, NM_001407937.1, NM_001407938.1 and 97 more transcripts); c.359C>T, p.Thr120Ile (NM_001407920.1, NM_001407921.1, NM_001407922.1 and 61 more transcripts); c.356C>T, p.Thr119Ile (NM_001407930.1, NM_001407931.1, NM_001407932.1 and 35 more transcripts); c.497C>T, p.Thr166Ile (NM_001407940.1, NM_001407941.1, NM_001407972.1 and 65 more transcripts); c.119C>T, p.Thr40Ile (NM_001407959.1, NM_001407960.1, NM_001407963.1 and 3 more transcripts); and 4 more; short protein forms T120I, T167I, T122I, T140I, T96I, T119I, T164I, T39I.
Identifiers: ClinVar variation 1009204 (VCV001009204.10), dbSNP rs2054297541, ClinGen allele CA10601139.

ClinVar aggregate classification (germline): Uncertain significance (1 of 4 stars; one submission).

Conditions:
Hereditary breast ovarian cancer syndrome. Also called: BRCA1- and BRCA2-Associated Hereditary Breast and Ovarian Cancer; Hereditary breast and ovarian cancer; Hereditary breast and ovarian cancer syndrome; Breast and ovarian cancer; Hereditary breast and/or ovarian cancer syndrome; Hereditary breast and ovarian cancer syndrome (HBOC). Identifiers: Orphanet 145, MedGen C0677776, MeSH D061325, MONDO:0003582. Disease mechanism: loss of function.

Submission:

Labcorp Genetics (formerly Invitae), Labcorp
Classification: Uncertain significance for Hereditary breast ovarian cancer syndrome. Last evaluated: 2024-06-06. Review status: criteria provided, single submitter. Criteria: Invitae Variant Classification Sherloc (09022015). Collection method: clinical testing. Allele origin: germline.
Comment: This sequence change replaces threonine, which is neutral and polar, with isoleucine, which is neutral and non-polar, at codon 167 of the BRCA1 protein (p.Thr167Ile). This variant is not present in population databases (gnomAD no frequency). This variant has not been reported in the literature in individuals affected with BRCA1-related conditions. ClinVar contains an entry for this variant (Variation ID: 1009204). Advanced modeling of protein sequence and biophysical properties (such as structural, functional, and spatial information, amino acid conservation, physicochemical variation, residue mobility, and thermodynamic stability) performed at Invitae indicates that this missense variant is not expected to disrupt BRCA1 protein function with a negative predictive value of 95%. In summary, the available evidence is currently insufficient to determine the role of this variant in disease. Therefore, it has been classified as a Variant of Uncertain Significance.